The following is an entry in ClinVar:

ClinVar aggregate classification (germline): Uncertain significance (1 of 4 stars; one submission).

Conditions:
Fetal akinesia deformation sequence 1 (FADS1). Also called: Pena-Shokeir syndrome type I; Fetal akinesia sequence. Identifiers: Orphanet 994, MedGen C1276035, MONDO:0100101, OMIM 208150, HP:0001989.
Congenital myasthenic syndrome 9. Also called: Myasthenic syndrome, congenital, 9, associated with acetylcholine receptor deficiency. Identifiers: Orphanet 590, MedGen C4225368, MONDO:0014587, OMIM 616325.

Allele frequency attached by ClinVar (database versions not stated): gnomAD exomes below 0.00001; gnomAD 0.00001; TOPMed 0.00002.
gnomAD v4.1: 3 of 1,613,708 alleles (0.00019%); highest among the groups gnomAD compares: Non-Finnish European, 0.00025%; no homozygotes.

Submission:

Labcorp Genetics (formerly Invitae), Labcorp
Classification: Uncertain significance for Congenital myasthenic syndrome 9; Fetal akinesia deformation sequence 1. Last evaluated: 2021-09-24. Review status: criteria provided, single submitter. Criteria: Invitae Variant Classification Sherloc (09022015). Collection method: clinical testing. Allele origin: germline.
Comment: This sequence change replaces threonine with isoleucine at codon 514 of the MUSK protein (p.Thr514Ile). The threonine residue is highly conserved and there is a moderate physicochemical difference between threonine and isoleucine. This variant is not present in population databases (ExAC no frequency). This variant has not been reported in the literature in individuals with MUSK-related conditions. Advanced modeling of protein sequence and biophysical properties (such as structural, functional, and spatial information, amino acid conservation, physicochemical variation, residue mobility, and thermodynamic stability) performed at Invitae indicates that this missense variant is not expected to disrupt MUSK protein function. In summary, the available evidence is currently insufficient to determine the role of this variant in disease. Therefore, it has been classified as a Variant of Uncertain Significance.

NM_005592.4(MUSK):c.1541C>T (p.Thr514Ile)

Gene: MUSK (muscle associated receptor tyrosine kinase; plus strand). Cytogenetic location: 9q31.3.
Variant type: single nucleotide variant.
Coding change: c.1541C>T on transcript NM_005592.4 (MANE Select); coding-DNA position 1541, C replaced by T.
Protein change: p.Thr514Ile; replaces threonine 514 with isoleucine.
Molecular consequence: missense variant.
Genome position (GRCh38, 1-based): chr9:110,784,971, C>T. VCF-style: chr9-110784971-C-T. GRCh37 (hg19) VCF-style: chr9-113547251-C-T.
Other names: c.1283C>T, p.Thr428Ile (NM_001166280.2); c.1253C>T, p.Thr418Ile (NM_001166281.2); c.281C>T, p.Thr94Ile (NM_001369398.1); short protein forms T514I, T94I, T418I, T428I.
Identifiers: ClinVar variation 1469389 (VCV001469389.5), dbSNP rs1467052958, ClinGen allele CA374475351.